The following is an entry in ClinVar:

NM_014845.6(FIG4):c.794G>A (p.Arg265Gln)

Gene: FIG4 (FIG4 phosphoinositide 5-phosphatase; plus strand). Cytogenetic location: 6q21.
Variant type: single nucleotide variant.
Coding change: c.794G>A on transcript NM_014845.6 (MANE Select); coding-DNA position 794, G replaced by A.
Protein change: p.Arg265Gln; replaces arginine 265 with glutamine.
Molecular consequence: missense variant.
Genome position (GRCh38, 1-based): chr6:109,741,462, G>A. VCF-style: chr6-109741462-G-A. GRCh37 (hg19) VCF-style: chr6-110062665-G-A.
Other names: c.794G>A (NM_014845.5); short protein forms R265Q.
Identifiers: ClinVar variation 1517967 (VCV001517967.8), dbSNP rs768713956, ClinGen allele CA3955914.

ClinVar aggregate classification (germline): Uncertain significance. Review status: criteria provided, multiple submitters, no conflicts (2 of 4 stars). 3 submissions from 3 submitters: Uncertain significance (3). Last evaluated 2026-08-03.

Conditions:
Inborn genetic diseases. Identifiers: MedGen C0950123, MeSH D030342.
FIG4-related disorder. Also called: FIG4-related condition; FIG4-related disorders.
Charcot-Marie-Tooth disease type 4. Also called: Charcot-Marie-Tooth, Type 4; Charcot-Marie-Tooth disease, type IV. Identifiers: Orphanet 64749, MedGen C4082197, MONDO:0018995.

Allele frequency attached by ClinVar (database versions not stated): gnomAD exomes 0.00001; ExAC 0.00002; gnomAD 0.00003 and 0.00004; TOPMed 0.00005.
gnomAD v4.1: 12 of 1,612,114 alleles (0.00074%); highest among the groups gnomAD compares: African/African-American, 0.004%; no homozygotes.

Submissions (3):

PreventionGenetics, part of Exact Sciences
Classification: Uncertain significance for FIG4-related condition. Last evaluated: 2026-08-03. Review status: criteria provided, single submitter. Criteria: ACMG Guidelines, 2015. Collection method: clinical testing. Allele origin: germline.
Comment: The FIG4 c.794G>A variant is predicted to result in the amino acid substitution p.Arg265Gln. To our knowledge, this variant has not been reported in the literature. This variant is reported in 0.0062% of alleles in individuals of African descent in gnomAD. At this time, the clinical significance of this variant is uncertain due to the absence of conclusive functional and genetic evidence.

Labcorp Genetics (formerly Invitae), Labcorp
Classification: Uncertain significance for Charcot-Marie-Tooth disease type 4. Last evaluated: 2024-10-29. Review status: criteria provided, single submitter. Criteria: Invitae Variant Classification Sherloc (09022015). Collection method: clinical testing. Allele origin: germline.
Comment: This sequence change replaces arginine, which is basic and polar, with glutamine, which is neutral and polar, at codon 265 of the FIG4 protein (p.Arg265Gln). This variant is present in population databases (rs768713956, gnomAD 0.007%). This variant has not been reported in the literature in individuals affected with FIG4-related conditions. ClinVar contains an entry for this variant (Variation ID: 1517967). An algorithm developed to predict the effect of missense changes on protein structure and function outputs the following: PolyPhen-2: "Possibly Damaging". The glutamine amino acid residue is found in multiple mammalian species, which suggests that this missense change does not adversely affect protein function. Algorithms developed to predict the effect of sequence changes on RNA splicing suggest that this variant may disrupt the consensus splice site. In summary, the available evidence is currently insufficient to determine the role of this variant in disease. Therefore, it has been classified as a Variant of Uncertain Significance.

Ambry Genetics
Classification: Uncertain significance for Inborn genetic diseases. Last evaluated: 2021-01-27. Review status: criteria provided, single submitter. Criteria: Ambry Variant Classification Scheme 2023. Collection method: clinical testing. Allele origin: germline.